The following is an entry in ClinVar:

ClinVar aggregate classification (germline): Pathogenic. Review status: criteria provided, multiple submitters, no conflicts (2 of 4 stars). 2 submissions from 2 submitters: Pathogenic (2). Last evaluated 2026-02-02.

Conditions:
Familial cancer of breast. Also called: BREAST CANCER, FAMILIAL; Hereditary breast cancer; hereditary breast carcinoma. Identifiers: Orphanet 227535, MedGen C0346153, MONDO:0016419, OMIM 114480. Disease mechanism: loss of function.
Hereditary cancer-predisposing syndrome. Also called: Neoplastic Syndromes, Hereditary; Tumor predisposition; Hereditary neoplastic syndrome; Hereditary Cancer Syndrome. Identifiers: Orphanet 140162, MedGen C0027672, MeSH D009386, MONDO:0015356.

Submissions (2):

Ambry Genetics
Classification: Pathogenic for Hereditary cancer-predisposing syndrome. Last evaluated: 2026-02-02. Review status: criteria provided, single submitter. Criteria: Ambry Variant Classification Scheme 2023. Collection method: clinical testing. Allele origin: germline.
Comment: The c.4995dupA pathogenic mutation, located in coding exon 32 of the ATM gene, results from a duplication of A at nucleotide position 4995, causing a translational frameshift with a predicted alternate stop codon (p.E1666Rfs*26). This variant is considered to be rare based on population cohorts in the Genome Aggregation Database (gnomAD). This variant is expected to result in loss of function by premature protein truncation or nonsense-mediated mRNA decay. As such, this variant is interpreted as a disease-causing mutation.

Myriad Genetics, Inc.
Classification: Pathogenic for Familial cancer of breast. Last evaluated: 2025-04-16. Review status: criteria provided, single submitter. Criteria: Myriad Autosomal Dominant, Autosomal Recessive and X-Linked Classification Criteria (2023). Collection method: clinical testing. Allele origin: unknown.
Comment: This variant is considered pathogenic. This variant creates a frameshift predicted to result in premature protein truncation.

NM_000051.4(ATM):c.4995dup (p.Glu1666fs)

Gene: ATM (ATM serine/threonine kinase; plus strand). Cytogenetic location: 11q22.3.
Variant type: Duplication.
Coding change: c.4995dup on transcript NM_000051.4 (MANE Select); coding-DNA position 4995, one base duplicated (A; older notation c.4995dupA).
Protein change: p.Glu1666fs; shifts the reading frame from glutamic acid 1666.
Molecular consequence: frameshift variant.
Genome position (GRCh38, 1-based): chr11:108,297,372, A duplicated; the last of 5 consecutive A bases (chr11:108,297,368-108,297,372); duplicating any one gives the same sequence. VCF-style (leftmost placement, unchanged base first): chr11-108297367-G-GA. GRCh37 (hg19) VCF-style: chr11-108168094-G-GA.
Other names: c.4995dup, p.Glu1666fs (NM_001351834.2); c.4995dupA (NM_000051.3); short protein forms E1666fs.
Identifiers: ClinVar variation 4071188 (VCV004071188.2).